The following is an entry in ClinVar:

NM_178172.6(GPIHBP1):c.90C>G (p.Asp30Glu)

Gene: GPIHBP1 (glycosylphosphatidylinositol anchored high density lipoprotein binding protein 1; plus strand). Cytogenetic location: 8q24.3.
Variant type: single nucleotide variant.
Coding change: c.90C>G on transcript NM_178172.6 (MANE Select); coding-DNA position 90, C replaced by G.
Protein change: p.Asp30Glu; replaces aspartic acid 30 with glutamic acid.
Molecular consequence: missense variant.
Genome position (GRCh38, 1-based): chr8:143,213,859, C>G. VCF-style: chr8-143213859-C-G. GRCh37 (hg19) VCF-style: chr8-144295734-C-G.
Other names: c.90C>G, p.Asp30Glu (NM_001301772.2); short protein forms D30E.
Identifiers: ClinVar variation 1938891 (VCV001938891.5), dbSNP rs776835638, ClinGen allele CA4907018.

ClinVar aggregate classification (germline): Uncertain significance (1 of 4 stars; one submission).

Allele frequency attached by ClinVar (database versions not stated): TOPMed below 0.00001; ExAC 0.00004.
gnomAD v4.1: 4 of 1,556,736 alleles (0.00026%); highest among the groups gnomAD compares: Admixed American, 0.0019%; no homozygotes.

Submission:

Labcorp Genetics (formerly Invitae), Labcorp
Classification: Uncertain significance. Last evaluated: 2021-12-01. Review status: criteria provided, single submitter. Criteria: Invitae Variant Classification Sherloc (09022015). Collection method: clinical testing. Allele origin: germline.
Comment: This variant is present in population databases (rs776835638, gnomAD 0.004%). This sequence change replaces aspartic acid, which is acidic and polar, with glutamic acid, which is acidic and polar, at codon 30 of the GPIHBP1 protein (p.Asp30Glu). This variant has not been reported in the literature in individuals affected with GPIHBP1-related conditions. Algorithms developed to predict the effect of missense changes on protein structure and function output the following: SIFT: "Tolerated"; PolyPhen-2: "Benign"; Align-GVGD: "Class C0". The glutamic acid amino acid residue is found in multiple mammalian species, which suggests that this missense change does not adversely affect protein function. In summary, the available evidence is currently insufficient to determine the role of this variant in disease. Therefore, it has been classified as a Variant of Uncertain Significance.